The following is an entry in ClinVar:

ClinVar aggregate classification (germline): Uncertain significance (1 of 4 stars; one submission).

Conditions:
Aicardi-Goutieres syndrome 2. Identifiers: Orphanet 51, MedGen C3489724, MONDO:0012429, OMIM 610181.

Allele frequency attached by ClinVar (database versions not stated): gnomAD exomes below 0.00001; TOPMed 0.00002.

Submission:

Labcorp Genetics (formerly Invitae), Labcorp
Classification: Uncertain significance for Aicardi-Goutieres syndrome 2. Last evaluated: 2022-05-08. Review status: criteria provided, single submitter. Criteria: Invitae Variant Classification Sherloc (09022015). Collection method: clinical testing. Allele origin: germline.
Comment: This variant is present in population databases (no rsID available, gnomAD 0.006%). This sequence change replaces valine, which is neutral and non-polar, with isoleucine, which is neutral and non-polar, at codon 41 of the RNASEH2B protein (p.Val41Ile). This variant has not been reported in the literature in individuals affected with RNASEH2B-related conditions. Algorithms developed to predict the effect of missense changes on protein structure and function (SIFT, PolyPhen-2, Align-GVGD) all suggest that this variant is likely to be tolerated. In summary, the available evidence is currently insufficient to determine the role of this variant in disease. Therefore, it has been classified as a Variant of Uncertain Significance.

NM_024570.4(RNASEH2B):c.121G>A (p.Val41Ile)

Gene: RNASEH2B (ribonuclease H2 subunit B; plus strand). Cytogenetic location: 13q14.3.
Variant type: single nucleotide variant.
Coding change: c.121G>A on transcript NM_024570.4 (MANE Select); coding-DNA position 121, G replaced by A.
Protein change: p.Val41Ile; replaces valine 41 with isoleucine.
Molecular consequence: missense variant.
Genome position (GRCh38, 1-based): chr13:50,927,463, G>A. VCF-style: chr13-50927463-G-A. GRCh37 (hg19) VCF-style: chr13-51501599-G-A.
Other names: c.121G>A, p.Val41Ile (NM_001142279.2, NM_001411023.1); short protein forms V41I.
Identifiers: ClinVar variation 1948074 (VCV001948074.5), dbSNP rs1203866393, ClinGen allele CA388258615.